The following is an entry in ClinVar:

ClinVar aggregate classification (germline): Uncertain significance (1 of 4 stars; one submission).

Allele frequency attached by ClinVar (database versions not stated): TOPMed 0.00001.

Submission:

Labcorp Genetics (formerly Invitae), Labcorp
Classification: Uncertain significance. Last evaluated: 2022-07-18. Review status: criteria provided, single submitter. Criteria: Invitae Variant Classification Sherloc (09022015). Collection method: clinical testing. Allele origin: germline.
Comment: In summary, the available evidence is currently insufficient to determine the role of this variant in disease. Therefore, it has been classified as a Variant of Uncertain Significance. Algorithms developed to predict the effect of missense changes on protein structure and function are either unavailable or do not agree on the potential impact of this missense change (SIFT: "Tolerated"; PolyPhen-2: "Probably Damaging"; Align-GVGD: "Class C0"). ClinVar contains an entry for this variant (Variation ID: 853050). This missense change has been observed in individuals with clinical features of retinitis pigmentosa (PMID: 30029497, 33090715). This variant is not present in population databases (gnomAD no frequency). This sequence change replaces lysine, which is basic and polar, with glutamic acid, which is acidic and polar, at codon 551 of the PDE6A protein (p.Lys551Glu).

Literature cited by the submitters: PubMed 30029497; PubMed 33090715.

NM_000440.3(PDE6A):c.1651A>G (p.Lys551Glu)

Gene: PDE6A (phosphodiesterase 6A; minus strand). Cytogenetic location: 5q32.
Variant type: single nucleotide variant.
Coding change: c.1651A>G on transcript NM_000440.3 (MANE Select); coding-DNA position 1651, A replaced by G.
Protein change: p.Lys551Glu; replaces lysine 551 with glutamic acid.
Molecular consequence: missense variant.
Genome position (GRCh38, 1-based): chr5:149,895,260, T>C on the plus strand (A>G on the coding strand, the complement: PDE6A is on the minus strand). VCF-style: chr5-149895260-T-C. GRCh37 (hg19) VCF-style: chr5-149274823-T-C.
Other names: short protein forms K551E.
Identifiers: ClinVar variation 853050 (VCV000853050.9), dbSNP rs1013117871, ClinGen allele CA129067137.
Genomic context (GRCh38, chr5:149,895,260, plus strand): 5'-TGGTCTGCCCCACGTTGAAGCCGTGCCGCCAGTTGTGGTAGGTGATCTTGCGGTAGCCCT[T>C]ACTCAGGGAGTACATGAACCGCACCAGGGCCTGTGAACACATGCACATCAGTGAGGCAGG-3'
Protein context (NP_000431.2, residues 541-561): ALVRFMYSLS[Lys551Glu]GYRKITYHNW